The following is an entry in ClinVar:

NM_019892.6(INPP5E):c.713G>T (p.Arg238Leu)

Gene: INPP5E (inositol polyphosphate-5-phosphatase E; minus strand). Cytogenetic location: 9q34.3.
Variant type: single nucleotide variant.
Coding change: c.713G>T on transcript NM_019892.6 (MANE Select); coding-DNA position 713, G replaced by T.
Protein change: p.Arg238Leu; replaces arginine 238 with leucine.
Molecular consequence: missense variant.
Genome position (GRCh38, 1-based): chr9:136,438,707, C>A on the plus strand (G>T on the coding strand, the complement: INPP5E is on the minus strand). VCF-style: chr9-136438707-C-A. GRCh37 (hg19) VCF-style: chr9-139333159-C-A.
Other names: c.713G>T, p.Arg238Leu (NM_001318502.2); c.713G>T (NM_019892.5); short protein forms R238L.
Identifiers: ClinVar variation 3596786 (VCV003596786.2).
Genomic context (GRCh38, chr9:136,438,707, plus strand): 5'-CTGAAGGAGGATTTGGCCGAGCGAAGGGAACAGTCGTCGCAGGCCAGGGGGCTCCGCGGC[C>A]GGCCGGGGCCCAGGCTGCTGTGGGCCCGCACCAGGAGCGGCTGCGCGCGGAGCTTGTAGT-3'
Protein context (NP_063945.2, residues 228-248): VRAHSSLGPG[Arg238Leu]PRSPLACDDC

ClinVar aggregate classification (germline): Uncertain significance. Review status: criteria provided, multiple submitters, no conflicts (2 of 4 stars). 2 submissions from 2 submitters: Uncertain significance (2). Last evaluated 2025-03-26.

Conditions:
Joubert syndrome 1 (JBTS1). Also called: Cerebellooculorenal syndrome 1; CEREBELLOPARENCHYMAL DISORDER IV. Identifiers: MedGen C4551568, MONDO:0008944, OMIM 213300.
MORM syndrome (MORMS). Identifiers: Orphanet 75858, MedGen C1857802, MONDO:0012423, OMIM 610156.
INPP5E-related disorder. Also called: INPP5E-related condition.

gnomAD v4.1: 12 of 1,604,460 alleles (0.00075%); highest among the groups gnomAD compares: Non-Finnish European, 0.00094%; no homozygotes.

Submissions (2):

PreventionGenetics, part of Exact Sciences
Classification: Uncertain significance for INPP5E-related condition. Last evaluated: 2025-03-26. Review status: criteria provided, single submitter. Criteria: ACMG Guidelines, 2015. Collection method: clinical testing. Allele origin: germline.
Comment: The INPP5E c.713G>T variant is predicted to result in the amino acid substitution p.Arg238Leu. To our knowledge, this variant has not been reported in the literature. This variant is reported in 0.0010% of alleles in individuals of European (Non-Finnish) descent in gnomAD. At this time, the clinical significance of this variant is uncertain due to the absence of conclusive functional and genetic evidence.

Fulgent Genetics
Classification: Uncertain significance for Joubert syndrome 1; MORM syndrome. Last evaluated: 2024-01-09. Review status: criteria provided, single submitter. Criteria: ACMG Guidelines, 2015. Collection method: clinical testing. Allele origin: germline.